The following is an entry in ClinVar:

ClinVar aggregate classification (germline): Uncertain significance. Review status: criteria provided, single submitter (1 of 4 stars). 2 submissions from 2 submitters: Uncertain significance (1). 1 of the submissions does not count toward it. Last evaluated 2022-04-02.

Conditions:
Glycogen storage disease, type IV (GSD4). Also called: Glycogen storage disease due to glycogen branching enzyme deficiency; AMYLOPECTINOSIS; ANDERSEN DISEASE; BRANCHER DEFICIENCY; CIRRHOSIS, FAMILIAL, WITH DEPOSITION OF ABNORMAL GLYCOGEN; GBE1 DEFICIENCY. Identifiers: Orphanet 367, MedGen C0017923, MONDO:0009292, OMIM 232500.
Glycogen storage disease IV, classic hepatic. Also called: GSD IV, CLASSIC HEPATIC. Identifiers: MedGen C1856301.

Allele frequency attached by ClinVar (database versions not stated): gnomAD exomes 0.00001; ExAC 0.00002.
gnomAD v4.1: 3 of 1,603,984 alleles (0.00019%); highest among the groups gnomAD compares: Non-Finnish European, 0.00026%; no homozygotes.

Submissions (2):

Labcorp Genetics (formerly Invitae), Labcorp
Classification: Uncertain significance for Glycogen storage disease, type IV; Glycogen storage disease IV, classic hepatic. Last evaluated: 2022-04-02. Review status: criteria provided, single submitter. Criteria: Invitae Variant Classification Sherloc (09022015). Collection method: clinical testing. Allele origin: germline.
Comment: This sequence change replaces alanine, which is neutral and non-polar, with threonine, which is neutral and polar, at codon 491 of the GBE1 protein (p.Ala491Thr). The frequency data for this variant in the population databases is considered unreliable, as metrics indicate poor data quality at this position in the gnomAD database. This missense change has been observed in individual(s) with GBE1-related conditions (PMID: 16278887). In at least one individual the data is consistent with being in trans (on the opposite chromosome) from a pathogenic variant. ClinVar contains an entry for this variant (Variation ID: 950610). Algorithms developed to predict the effect of missense changes on protein structure and function are either unavailable or do not agree on the potential impact of this missense change (SIFT: "Not Available"; PolyPhen-2: "Probably Damaging"; Align-GVGD: "Not Available"). In summary, the available evidence is currently insufficient to determine the role of this variant in disease. Therefore, it has been classified as a Variant of Uncertain Significance.

Natera, Inc.
Classification: Uncertain significance for Glycogen storage disease type IV. Last evaluated: 2020-04-22. Review status: no assertion criteria provided. Collection method: clinical testing. Allele origin: germline. Not counted in ClinVar's aggregate classification.

Literature cited by the submitters: PubMed 16278887 (cited by Labcorp Genetics (formerly Invitae), Labcorp).

NM_000158.4(GBE1):c.1471G>A (p.Ala491Thr)

Gene: GBE1 (1,4-alpha-glucan branching enzyme 1; minus strand). Cytogenetic location: 3p12.2.
Variant type: single nucleotide variant.
Coding change: c.1471G>A on transcript NM_000158.4 (MANE Select); coding-DNA position 1471, G replaced by A.
Protein change: p.Ala491Thr; replaces alanine 491 with threonine.
Molecular consequence: missense variant.
Genome position (GRCh38, 1-based): chr3:81,578,072, C>T on the plus strand (G>A on the coding strand, the complement: GBE1 is on the minus strand). VCF-style: chr3-81578072-C-T. GRCh37 (hg19) VCF-style: chr3-81627223-C-T.
Other names: short protein forms A491T.
Identifiers: ClinVar variation 950610 (VCV000950610.4), dbSNP rs772670028, ClinGen allele CA2499640.